The following is an entry in ClinVar:

NM_024529.5(CDC73):c.2dup (p.Met1fs)

Gene: CDC73 (cell division cycle 73; plus strand). Cytogenetic location: 1q31.2.
Variant type: Duplication.
Coding change: c.2dup on transcript NM_024529.5 (MANE Select); coding-DNA position 2, one base duplicated (T; older notation c.2dupT).
Protein change: p.Met1fs; shifts the reading frame from methionine 1.
Molecular consequence: frameshift variant, initiator codon variant.
Genome position (GRCh38, 1-based): chr1:193,122,202, T duplicated. VCF-style (leftmost placement, unchanged base first): chr1-193122201-A-AT. GRCh37 (hg19) VCF-style: chr1-193091331-A-AT.
Other names: short protein forms M1fs.
Identifiers: ClinVar variation 2818838 (VCV002818838.3), dbSNP rs2527280678, ClinGen allele CA2739275496.

ClinVar aggregate classification (germline): Pathogenic (1 of 4 stars; one submission).

Conditions:
Parathyroid carcinoma (PRTC). Also called: CDC73-Related Parathyroid Carcinoma; Parathyroid gland carcinoma. Identifiers: Orphanet 143, MedGen C0687150, MONDO:0012004, OMIM 608266, HP:0006780.

Submission:

Labcorp Genetics (formerly Invitae), Labcorp
Classification: Pathogenic for Parathyroid carcinoma. Last evaluated: 2022-12-05. Review status: criteria provided, single submitter. Criteria: Invitae Variant Classification Sherloc (09022015). Collection method: clinical testing. Allele origin: germline.
Comment: For these reasons, this variant has been classified as Pathogenic. This variant disrupts a region of the CDC73 protein in which other variant(s) (p.Leu63Pro) have been determined to be pathogenic (PMID: 18755853; Invitae). This suggests that this is a clinically significant region of the protein, and that variants that disrupt it are likely to be disease-causing. This variant has not been reported in the literature in individuals affected with CDC73-related conditions. This variant is not present in population databases (gnomAD no frequency). This sequence change affects the initiator methionine of the CDC73 mRNA. The next in-frame methionine is located at codon 177.

Literature cited by the submitters: PubMed 18755853.